The following is an entry in ClinVar:

NM_012213.3(MLYCD):c.805G>A (p.Val269Met)

Genes: MLYCD (malonyl-CoA decarboxylase; plus strand), LOC126862422 (CDK7 strongly-dependent group 2 enhancer GRCh37_chr16:83945234-83946433; plus strand). Cytogenetic location: 16q23.3.
Variant type: single nucleotide variant.
Coding change: c.805G>A on transcript NM_012213.3 (MANE Select); coding-DNA position 805, G replaced by A.
Protein change: p.Val269Met; replaces valine 269 with methionine.
Molecular consequence: missense variant.
Genome position (GRCh38, 1-based): chr16:83,912,224, G>A. VCF-style: chr16-83912224-G-A. GRCh37 (hg19) VCF-style: chr16-83945829-G-A.
Other names: short protein forms V269M.
Identifiers: ClinVar variation 2080207 (VCV002080207.2), dbSNP rs371367725, ClinGen allele CA8197401.

ClinVar aggregate classification (germline): Uncertain significance. Review status: criteria provided, multiple submitters, no conflicts (2 of 4 stars). 2 submissions from 2 submitters: Uncertain significance (2). Last evaluated 2024-10-08.

Conditions:
Inborn genetic diseases. Identifiers: MedGen C0950123, MeSH D030342.
Deficiency of malonyl-CoA decarboxylase. Also called: Malonic aciduria; MCD deficiency. Identifiers: Orphanet 943, MedGen C0342793, MONDO:0009556, OMIM 248360.

Allele frequency attached by ClinVar (database versions not stated): ExAC 0.00001; gnomAD 0.00003; gnomAD exomes 0.00003; TOPMed 0.00003; ESP Exome Variant Server 0.00008.
gnomAD v4.1: 48 of 1,614,072 alleles (0.003%); highest among the groups gnomAD compares: Non-Finnish European, 0.0036%; no homozygotes.

Submissions (2):

Ambry Genetics
Classification: Uncertain significance for Inborn genetic diseases. Last evaluated: 2024-10-08. Review status: criteria provided, single submitter. Criteria: Ambry Variant Classification Scheme 2023. Collection method: clinical testing. Allele origin: germline.

Labcorp Genetics (formerly Invitae), Labcorp
Classification: Uncertain significance for Deficiency of malonyl-CoA decarboxylase. Last evaluated: 2022-08-12. Review status: criteria provided, single submitter. Criteria: Invitae Variant Classification Sherloc (09022015). Collection method: clinical testing. Allele origin: germline.
Comment: This sequence change replaces valine, which is neutral and non-polar, with methionine, which is neutral and non-polar, at codon 269 of the MLYCD protein (p.Val269Met). This variant is present in population databases (rs371367725, gnomAD 0.005%). This variant has not been reported in the literature in individuals affected with MLYCD-related conditions. Algorithms developed to predict the effect of missense changes on protein structure and function output the following: SIFT: "Deleterious"; PolyPhen-2: "Benign"; Align-GVGD: "Class C0". The methionine amino acid residue is found in multiple mammalian species, which suggests that this missense change does not adversely affect protein function. In summary, the available evidence is currently insufficient to determine the role of this variant in disease. Therefore, it has been classified as a Variant of Uncertain Significance.